The following is an entry in ClinVar:

ClinVar aggregate classification (germline): Uncertain significance (1 of 4 stars; one submission).

Conditions:
Cystic fibrosis (CF). Also called: MUCOVISCIDOSIS. Identifiers: Orphanet 586, MedGen C0010674, MONDO:0009061, OMIM 219700. Disease mechanism: loss of function.

Submission:

Ambry Genetics
Classification: Uncertain significance for Cystic fibrosis. Last evaluated: 2025-01-03. Review status: criteria provided, single submitter. Criteria: Ambry Variant Classification Scheme 2023. Collection method: clinical testing. Allele origin: germline.
Comment: The p.I824N variant (also known as c.2471T>A), located in coding exon 14 of the CFTR gene, results from a T to A substitution at nucleotide position 2471. The isoleucine at codon 824 is replaced by asparagine, an amino acid with dissimilar properties. This amino acid position is conserved. In addition, the in silico prediction for this alteration is inconclusive. Based on the available evidence, the clinical significance of this variant remains unclear.

NM_000492.4(CFTR):c.2471T>A (p.Ile824Asn)

Gene: CFTR (CF transmembrane conductance regulator; plus strand). Cytogenetic location: 7q31.2.
Variant type: single nucleotide variant.
Coding change: c.2471T>A on transcript NM_000492.4 (MANE Select); coding-DNA position 2471, T replaced by A.
Protein change: p.Ile824Asn; replaces isoleucine 824 with asparagine.
Molecular consequence: missense variant.
Genome position (GRCh38, 1-based): chr7:117,592,638, T>A. VCF-style: chr7-117592638-T-A. GRCh37 (hg19) VCF-style: chr7-117232692-T-A.
Other names: short protein forms I824N.
Identifiers: ClinVar variation 3832568 (VCV003832568.1).
Genomic context (GRCh38, chr7:117,592,638, plus strand): 5'-AACTGGATATATATTCAAGAAGGTTATCTCAAGAAACTGGCTTGGAAATAAGTGAAGAAA[T>A]TAACGAAGAAGACTTAAAGGTAGGTATACATCGCTTGGGGGTATTTCACCCCACAGAATG-3'
Protein context (NP_000483.3, residues 814-834): QETGLEISEE[Ile824Asn]NEEDLKECFF